The following is an entry in ClinVar:

NM_000219.6(KCNE1):c.*578T>C

Gene: KCNE1 (potassium voltage-gated channel subfamily E regulatory subunit 1; minus strand). Cytogenetic location: 21q22.12.
Variant type: single nucleotide variant.
Coding change: c.*578T>C on transcript NM_000219.6 (MANE Select); 578 bases downstream of the stop codon, T replaced by C.
Molecular consequence: 3 prime UTR variant.
Genome position (GRCh38, 1-based): chr21:34,448,667, A>G on the plus strand (T>C on the coding strand, the complement: KCNE1 is on the minus strand). VCF-style: chr21-34448667-A-G. GRCh37 (hg19) VCF-style: chr21-35820965-A-G.
Other names: c.*578T>C (NM_001127668.4, NM_001127669.4, NM_001127670.4 and 4 more transcripts).
Identifiers: ClinVar variation 339759 (VCV000339759.9), dbSNP rs16991703, ClinGen allele CA10644586.
Genomic context (GRCh38, chr21:34,448,667, plus strand): 5'-TCAGTCCTATAAGGTAGGTGTATCAGTAAGGGCATTGATTCTGCGACCTTAACAGAGATC[A>G]GAATAACAGTGGCTTAAGGAAGAGTGGAGTGGATTTCTCTCTCCTGTAAATCTGGCCTGG-3'

ClinVar aggregate classification (germline): Benign. Review status: criteria provided, multiple submitters, no conflicts (2 of 4 stars). 4 submissions from 3 submitters: Benign (4). Last evaluated 2021-05-13.

Conditions:
Jervell and Lange-Nielsen syndrome 2 (JLNS2). Identifiers: Orphanet 768, Orphanet 90647, MedGen C2676723, MONDO:0012871, OMIM 612347.
Long QT syndrome 5 (LQT5). Identifiers: Orphanet 101016, Orphanet 768, MedGen C1867904, MONDO:0013372, OMIM 613695.

Allele frequency attached by ClinVar (database versions not stated): gnomAD exomes 0.02035; TOPMed 0.10252; 1000 Genomes Project 0.10503; gnomAD 0.14121 and 0.14679; 1000 Genomes Project 30x 0.15943.
gnomAD v4.1: 6,556 of 46,900 alleles (14%); highest among the groups gnomAD compares: African/African-American, 31%; 1,335 homozygotes.

Submissions (4):

GeneDx
Classification: Benign. Last evaluated: 2021-05-13. Review status: criteria provided, single submitter. Criteria: GeneDx Variant Classification Process June 2021. Collection method: clinical testing. Allele origin: germline. Affected: yes.

Illumina Laboratory Services, Illumina
Classification: Benign for Long QT syndrome 5. Last evaluated: 2018-01-12. Review status: criteria provided, single submitter. Criteria: ICSL Variant Classification Criteria 13 December 2019. Collection method: clinical testing. Allele origin: germline.
Comment: This variant was observed in the ICSL laboratory as part of a predisposition screen in an ostensibly healthy population. It had not been previously curated by ICSL or reported in the Human Gene Mutation Database (HGMD: prior to June 1st, 2018), and was therefore a candidate for classification through an automated scoring system. Utilizing variant allele frequency, disease prevalence and penetrance estimates, and inheritance mode, an automated score was calculated to assess if this variant is too frequent to cause the disease. Based on the score and internal cut-off values, a variant classified as benign is not then subjected to further curation. The score for this variant resulted in a classification of benign for this disease.

Illumina Laboratory Services, Illumina
Classification: Benign for Jervell and Lange-Nielsen syndrome 2. Last evaluated: 2018-01-12. Review status: criteria provided, single submitter. Criteria: ICSL Variant Classification Criteria 13 December 2019. Collection method: clinical testing. Allele origin: germline.
Comment: the same text as in the submission from Illumina Laboratory Services, Illumina above.

Breakthrough Genomics
Classification: Benign. Review status: criteria provided, single submitter. Criteria: ACMG Guidelines, 2015. Collection method: not provided. Allele origin: germline. Inheritance: Autosomal recessive inheritance. Affected: yes.